The following is an entry in ClinVar:

NM_153700.2(STRC):c.2533G>C (p.Ala845Pro)

Gene: STRC (stereocilin; minus strand). Cytogenetic location: 15q15.3.
Variant type: single nucleotide variant.
Coding change: c.2533G>C on transcript NM_153700.2 (MANE Select); coding-DNA position 2533, G replaced by C.
Protein change: p.Ala845Pro; replaces alanine 845 with proline.
Molecular consequence: missense variant.
Genome position (GRCh38, 1-based): chr15:43,613,179, C>G on the plus strand (G>C on the coding strand, the complement: STRC is on the minus strand). VCF-style: chr15-43613179-C-G. GRCh37 (hg19) VCF-style: chr15-43905377-C-G.
Other names: short protein forms A845P.
Identifiers: ClinVar variation 4988108 (VCV004988108.1).
Genomic context (GRCh38, chr15:43,613,179, plus strand): 5'-CCTGGGGCCAGGCAGGCACTTCCCCAAACAGTTCAGGGGCCAGCAGTCGCTTTGCCAGAG[C>G]CTCCTTCTGTTCAGGCCTCATTCCTGGGCTGTAATCCCGGATGGCAGCCAGGCTGCGAGG-3'
Protein context (NP_714544.1, residues 835-855): SPGMRPEQKE[Ala845Pro]LAKRLLAPEL

ClinVar aggregate classification (germline): Uncertain significance (1 of 4 stars; one submission).

Conditions:
STRC-related disorder. Also called: STRC-related condition.

Submission:

PreventionGenetics, part of Exact Sciences
Classification: Uncertain significance for STRC-related condition. Last evaluated: 2026-06-26. Review status: criteria provided, single submitter. Criteria: ACMG Guidelines, 2015. Collection method: clinical testing. Allele origin: germline.
Comment: The STRC c.2533G>C variant is predicted to result in the amino acid substitution p.Ala845Pro. This variant has been reported in trans to the STRC whole gene deletion in an individual with hearing loss (Table 1, Moteki at al. 2025. PubMed ID: 41430084). This variant has not been reported in the large population database gnomAD. Although we suspect that this variant may be pathogenic, at this time, the clinical significance of this variant is uncertain due to the absence of conclusive functional and genetic evidence.